The following is an entry in ClinVar:

ClinVar aggregate classification (germline): Pathogenic (1 of 4 stars; one submission).

Conditions:
Charcot-Marie-Tooth disease axonal type 2P. Also called: CHARCOT-MARIE-TOOTH NEUROPATHY, TYPE 2P; Charcot-Marie-Tooth Neuropathy Type 2G; CHARCOT-MARIE-TOOTH DISEASE, AXONAL, TYPE 2G; CMT 2G. Identifiers: Orphanet 300319, Orphanet 99941, MedGen C3280797, MONDO:0013753, OMIM 614436.

Submission:

Labcorp Genetics (formerly Invitae), Labcorp
Classification: Pathogenic for Charcot-Marie-Tooth disease axonal type 2P. Last evaluated: 2022-12-13. Review status: criteria provided, single submitter. Criteria: Invitae Variant Classification Sherloc (09022015). Collection method: clinical testing. Allele origin: germline.
Comment: For these reasons, this variant has been classified as Pathogenic. Algorithms developed to predict the effect of sequence changes on RNA splicing suggest that this variant may create or strengthen a splice site. This variant has not been reported in the literature in individuals affected with LRSAM1-related conditions. This variant is not present in population databases (gnomAD no frequency). This sequence change creates a premature translational stop signal (p.Glu638Serfs*2) in the LRSAM1 gene. It is expected to result in an absent or disrupted protein product. Loss-of-function variants in LRSAM1 are known to be pathogenic (PMID: 20865121, 33414056).

Literature cited by the submitters: PubMed 20865121; PubMed 33414056.

NM_001005373.4(LRSAM1):c.1911del (p.Glu638fs)

Gene: LRSAM1 (leucine rich repeat and sterile alpha motif containing 1; plus strand). Cytogenetic location: 9q33.3.
Variant type: Deletion.
Coding change: c.1911del on transcript NM_001005373.4 (MANE Select); coding-DNA position 1911, one base deleted (A; older notation c.1911delA).
Protein change: p.Glu638fs; shifts the reading frame from glutamic acid 638.
Molecular consequence: frameshift variant. On other transcripts: non-coding transcript variant (2).
Genome position (GRCh38, 1-based): chr9:127,497,333, A deleted. VCF-style (leftmost placement, unchanged base first): chr9-127497332-CA-C. GRCh37 (hg19) VCF-style: chr9-130259611-CA-C.
Other names: c.1911del, p.Glu638fs (NM_001005374.4, NM_001384142.1, NM_138361.5); c.1830del, p.Glu611fs (NM_001190723.3); c.1812del, p.Glu605fs (NM_001384143.1); c.1122del, p.Glu375fs (NM_001384144.1); short protein forms E375fs, E605fs, E611fs, E638fs.
Identifiers: ClinVar variation 2820235 (VCV002820235.3), dbSNP rs2539451092, ClinGen allele CA2739265056.